The following is an entry in ClinVar:

ClinVar aggregate classification (germline): Pathogenic (3 of 4 stars; one submission).

Conditions:
Breast-ovarian cancer, familial, susceptibility to, 1 (BROVCA1). Also called: BRCA1 Hereditary Breast and Ovarian Cancer; OVARIAN CANCER, SUSCEPTIBILITY TO. Identifiers: Orphanet 145, MedGen C2676676, MONDO:0011450, OMIM 604370. Disease mechanism: loss of function.

Submission:

Evidence-based Network for the Interpretation of Germline Mutant Alleles (ENIGMA)
Classification: Pathogenic for Breast-ovarian cancer, familial, susceptibility to, 1. Last evaluated: 2017-12-15. Review status: reviewed by expert panel. Criteria: ENIGMA BRCA1/2 Classification Criteria (2017-06-29). Collection method: curation. Allele origin: germline. Study: ENIGMA.
Comment: Variant allele predicted to encode a truncated non-functional protein.

NM_007294.4(BRCA1):c.4284_4285insG (p.Tyr1429fs)

Gene: BRCA1 (BRCA1 DNA repair associated; minus strand). Cytogenetic location: 17q21.31.
Variant type: Insertion.
Coding change: c.4284_4285insG on transcript NM_007294.4 (MANE Select); coding-DNA positions 4284 to 4285, G inserted.
Protein change: p.Tyr1429fs; shifts the reading frame from tyrosine 1429.
Molecular consequence: frameshift variant. On other transcripts: non-coding transcript variant (1).
Genome position: GRCh38 VCF-style: chr17-43082476-A-AC. GRCh37 (hg19) VCF-style: chr17-41234493-A-AC.
Other names: c.4071_4072insG, p.Tyr1358Valfs (NM_001407571.1, NM_001407853.1, NM_001407894.1 and 12 more transcripts); c.4284_4285insG, p.Tyr1429Valfs (NM_001407581.1, NM_001407582.1, NM_001407583.1 and 22 more transcripts); c.4281_4282insG, p.Tyr1428Valfs (NM_001407587.1, NM_001407590.1, NM_001407591.1 and 21 more transcripts); c.4278_4279insG, p.Tyr1427Valfs (NM_001407627.1, NM_001407628.1, NM_001407629.1 and 5 more transcripts); c.4272_4273insG, p.Tyr1425Valfs (NM_001407646.1, NM_001407647.1); c.4161_4162insG, p.Tyr1388Valfs (NM_001407648.1, NM_001407664.1, NM_001407665.1 and 13 more transcripts); c.4158_4159insG, p.Tyr1387Valfs (NM_001407649.1, NM_001407670.1, NM_001407671.1 and 12 more transcripts); c.4206_4207insG, p.Tyr1403Valfs (NM_001407653.1, NM_001407654.1, NM_001407655.1 and 2 more transcripts); and 54 more; short protein forms Y1382fs, Y1429fs, Y326fs.
Identifiers: ClinVar variation 548285 (VCV000548285.2), dbSNP rs1555584122, ClinGen allele CA658825019.